The following is an entry in ClinVar:

ClinVar aggregate classification (germline): Uncertain significance (1 of 4 stars; one submission).

Conditions:
Tuberous sclerosis 1 (TSC1). Identifiers: Orphanet 805, MedGen C1854465, MONDO:0008612, OMIM 191100.

Submission:

Labcorp Genetics (formerly Invitae), Labcorp
Classification: Uncertain significance for Tuberous sclerosis 1. Last evaluated: 2022-07-07. Review status: criteria provided, single submitter. Criteria: Invitae Variant Classification Sherloc (09022015). Collection method: clinical testing. Allele origin: germline.
Comment: This variant has not been reported in the literature in individuals affected with TSC1-related conditions. In summary, the available evidence is currently insufficient to determine the role of this variant in disease. Therefore, it has been classified as a Variant of Uncertain Significance. Algorithms developed to predict the effect of missense changes on protein structure and function are either unavailable or do not agree on the potential impact of this missense change (SIFT: "Deleterious"; PolyPhen-2: "Possibly Damaging"; Align-GVGD: "Class C0"). This variant is not present in population databases (gnomAD no frequency). This sequence change replaces glutamic acid, which is acidic and polar, with alanine, which is neutral and non-polar, at codon 911 of the TSC1 protein (p.Glu911Ala).

NM_000368.5(TSC1):c.2732A>C (p.Glu911Ala)

Gene: TSC1 (TSC complex subunit 1; minus strand). Cytogenetic location: 9q34.13.
Variant type: single nucleotide variant.
Coding change: c.2732A>C on transcript NM_000368.5 (MANE Select); coding-DNA position 2732, A replaced by C.
Protein change: p.Glu911Ala; replaces glutamic acid 911 with alanine.
Molecular consequence: missense variant.
Genome position (GRCh38, 1-based): chr9:132,897,504, T>G on the plus strand (A>C on the coding strand, the complement: TSC1 is on the minus strand). VCF-style: chr9-132897504-T-G. GRCh37 (hg19) VCF-style: chr9-135772891-T-G.
Other names: c.2324A>C, p.Glu775Ala (NM_001406625.1); c.1781A>C, p.Glu594Ala (NM_001406626.1); c.1778A>C, p.Glu593Ala (NM_001406627.1, NM_001406628.1); c.1679A>C, p.Glu560Ala (NM_001406629.1, NM_001406630.1); c.2729A>C, p.Glu910Ala (NM_001162426.2, NM_001406597.1, NM_001406598.1 and 2 more transcripts); c.2579A>C, p.Glu860Ala (NM_001162427.2, NM_001406610.1); c.2369A>C, p.Glu790Ala (NM_001362177.2, NM_001406614.1, NM_001406615.1 and 4 more transcripts); c.2732A>C, p.Glu911Ala (NM_001406592.1, NM_001406593.1, NM_001406594.1 and 2 more transcripts); and 8 more; short protein forms E594A, E896A, E905A, E560A, E775A, E776A, E790A, E845A.
Identifiers: ClinVar variation 2014822 (VCV002014822.4), dbSNP rs2131634197, ClinGen allele CA375369312.